The following is an entry in ClinVar:

NM_001040142.2(SCN2A):c.1084T>C (p.Tyr362His)

Gene: SCN2A (sodium voltage-gated channel alpha subunit 2; plus strand). Cytogenetic location: 2q24.3.
Variant type: single nucleotide variant.
Coding change: c.1084T>C on transcript NM_001040142.2 (MANE Select); coding-DNA position 1084, T replaced by C.
Protein change: p.Tyr362His; replaces tyrosine 362 with histidine.
Molecular consequence: missense variant.
Genome position (GRCh38, 1-based): chr2:165,313,669, T>C. VCF-style: chr2-165313669-T-C. GRCh37 (hg19) VCF-style: chr2-166170179-T-C.
Other names: c.1084T>C, p.Tyr362His (NM_001040143.2, NM_001371246.1, NM_001371247.1 and 1 more transcripts); short protein forms Y362H.
Identifiers: ClinVar variation 5006113 (VCV005006113.2).
Genomic context (GRCh38, chr2:165,313,669, plus strand): 5'-CCTAATTATAGCCAGTGTCCTGAAGGATACATCTGTGTGAAGGCTGGTAGAAACCCCAAC[T>C]ATGGCTACACGAGCTTTGACACCTTTAGTTGGGCCTTTTTGTCCTTATTTCGTCTCATGA-3'
Protein context (NP_001035232.1, residues 352-372): ICVKAGRNPN[Tyr362His]GYTSFDTFSW

ClinVar aggregate classification (germline): Uncertain significance (1 of 4 stars; one submission).

Conditions:
Episodic ataxia, type 9. Identifiers: MedGen C5394520, MONDO:0030064, OMIM 618924.
Seizures, benign familial infantile, 3 (BFIS3). Also called: CONVULSIONS, BENIGN FAMILIAL INFANTILE, 3; Familial neonatal seizures. Identifiers: Orphanet 140927, Orphanet 306, MedGen C1843140, MONDO:0011904, OMIM 607745.
Developmental and epileptic encephalopathy, 11 (DEE11). Also called: Early infantile epileptic encephalopathy 11. Identifiers: Orphanet 1934, MedGen C3150987, MONDO:0013388, OMIM 613721.

Submission:

Juno Genomics, Hangzhou Juno Genomics, Inc
Classification: Uncertain significance for Developmental and epileptic encephalopathy, 11; Episodic ataxia, type 9; Seizures, benign familial infantile, 3. Review status: criteria provided, single submitter. Criteria: ACMG Guidelines, 2015. Collection method: clinical testing. Allele origin: germline.
Comment: Absent from controls (or at extremely low frequency if recessive) in Genome Aggregation Database.;Missense variant in a gene that has a low rate of benign missense variation.;Multiple lines of computational evidence support a deleterious effect on the gene or gene product.